The following is an entry in ClinVar:

ClinVar aggregate classification (germline): Pathogenic (1 of 4 stars; one submission).

Conditions:
Retinoblastoma (RB1). Also called: RETINOBLASTOMA, SOMATIC. Identifiers: Orphanet 790, MedGen C0035335, MeSH D012175, MONDO:0008380, OMIM 180200, HP:0009919. Disease mechanism: loss of function. Inheritance: Both sporadic and heritable forms are tested..

Submission:

Labcorp Genetics (formerly Invitae), Labcorp
Classification: Pathogenic for Retinoblastoma. Last evaluated: 2021-09-26. Review status: criteria provided, single submitter. Criteria: Invitae Variant Classification Sherloc (09022015). Collection method: clinical testing. Allele origin: germline.
Comment: This sequence change creates a premature translational stop signal (p.Asn505Serfs*2) in the RB1 gene. It is expected to result in an absent or disrupted protein product. This variant is not present in population databases (ExAC no frequency). This variant has not been reported in the literature in individuals with RB1-related disease. Loss-of-function variants in RB1 are known to be pathogenic (PMID: 17096365). For these reasons, this variant has been classified as Pathogenic.

Literature cited by the submitters: PubMed 17096365.

NM_000321.3(RB1):c.1512_1513del (p.Asn505fs)

Gene: RB1 (RB transcriptional corepressor 1; plus strand). Cytogenetic location: 13q14.2.
Variant type: Deletion.
Coding change: c.1512_1513del on transcript NM_000321.3 (MANE Select); coding-DNA positions 1512 to 1513, 2 bases deleted (GA; older notation c.1512_1513delGA).
Protein change: p.Asn505fs; shifts the reading frame from asparagine 505.
Molecular consequence: frameshift variant.
Genome position (GRCh38, 1-based): chr13:48,381,260-48,381,261, GA deleted; deleting any 2 consecutive bases within chr13:48,381,259-48,381,261 gives the same sequence; the c. name uses the placement nearest the transcript's 3' end. VCF-style (leftmost placement, unchanged base first): chr13-48381258-CAG-C. GRCh37 (hg19) VCF-style: chr13-48955394-CAG-C.
Other names: c.1512_1513delGA (NM_000321.2); short protein forms N505fs.
Identifiers: ClinVar variation 653571 (VCV000653571.6), dbSNP rs1593456963, ClinGen allele CA915948554.